The following is an entry in ClinVar:

ClinVar aggregate classification (germline): Uncertain significance (1 of 4 stars; one submission).

Submission:

Labcorp Genetics (formerly Invitae), Labcorp
Classification: Uncertain significance. Last evaluated: 2024-10-15. Review status: criteria provided, single submitter. Criteria: Invitae Variant Classification Sherloc (09022015). Collection method: clinical testing. Allele origin: germline.
Comment: This sequence change replaces arginine, which is basic and polar, with isoleucine, which is neutral and non-polar, at codon 2940 of the ADGRV1 protein (p.Arg2940Ile). This variant is not present in population databases (gnomAD no frequency). This variant has not been reported in the literature in individuals affected with ADGRV1-related conditions. ClinVar contains an entry for this variant (Variation ID: 1466230). Invitae Evidence Modeling of protein sequence and biophysical properties (such as structural, functional, and spatial information, amino acid conservation, physicochemical variation, residue mobility, and thermodynamic stability) indicates that this missense variant is not expected to disrupt ADGRV1 protein function with a negative predictive value of 95%. In summary, the available evidence is currently insufficient to determine the role of this variant in disease. Therefore, it has been classified as a Variant of Uncertain Significance.

NM_032119.4(ADGRV1):c.8819G>T (p.Arg2940Ile)

Gene: ADGRV1 (adhesion G protein-coupled receptor V1; plus strand). Cytogenetic location: 5q14.3.
Variant type: single nucleotide variant.
Coding change: c.8819G>T on transcript NM_032119.4 (MANE Select); coding-DNA position 8819, G replaced by T.
Protein change: p.Arg2940Ile; replaces arginine 2940 with isoleucine.
Molecular consequence: missense variant. On other transcripts: non-coding transcript variant (1).
Genome position (GRCh38, 1-based): chr5:90,708,904, G>T. VCF-style: chr5-90708904-G-T. GRCh37 (hg19) VCF-style: chr5-90004721-G-T.
Other names: short protein forms R2940I.
Identifiers: ClinVar variation 1466230 (VCV001466230.5), dbSNP rs748032709, ClinGen allele CA360393675.
Genomic context (GRCh38, chr5:90,708,904, plus strand): 5'-TCCTGGTGAATTTAACTTACGTTGGACTTACCATGGCTGCTTCAACTTCATTTCCTCCCA[G>T]ACTAGGTATGAGGGGTTTCTTGTTTGTTTCTTTTTGCTCACTTCAAATGAAATGAAGAAA-3'
Protein context (NP_115495.3, residues 2930-2950): TMAASTSFPP[Arg2940Ile]LDSEGLTAQV